The following is an entry in ClinVar:

NM_016507.4(CDK12):c.488A>T (p.Lys163Met)

Genes: CDK12 (cyclin dependent kinase 12; plus strand), LOC126862553 (CDK7 strongly-dependent group 2 enhancer GRCh37_chr17:37618166-37619365; plus strand). Cytogenetic location: 17q12.
Variant type: single nucleotide variant.
Coding change: c.488A>T on transcript NM_016507.4 (MANE Select); coding-DNA position 488, A replaced by T.
Protein change: p.Lys163Met; replaces lysine 163 with methionine.
Molecular consequence: missense variant.
Genome position (GRCh38, 1-based): chr17:39,462,559, A>T. VCF-style: chr17-39462559-A-T. GRCh37 (hg19) VCF-style: chr17-37618812-A-T.
Other names: c.488A>T, p.Lys163Met (NM_015083.4); short protein forms K163M.
Identifiers: ClinVar variation 4224458 (VCV004224458.1).
Genomic context (GRCh38, chr17:39,462,559, plus strand): 5'-TGAAGGACCGGATATCGGGAAGTTCAAAGCGTTCGAATGAGGAGACTGATGACTATGGGA[A>T]GGCGCAGGTAGCCAAAAGCAGCAGCAAGGAATCCAGGTCATCCAAGCTCCACAAGGAGAA-3'
Protein context (NP_057591.2, residues 153-173): RSNEETDDYG[Lys163Met]AQVAKSSSKE

ClinVar aggregate classification (germline): Uncertain significance (1 of 4 stars; one submission).

Submission:

Ambry Genetics
Classification: Uncertain significance. Last evaluated: 2025-09-10. Review status: criteria provided, single submitter. Criteria: Ambry Variant Classification Scheme 2023. Collection method: clinical testing. Allele origin: germline.
Comment: The p.K163M variant (also known as c.488A>T), located in coding exon 1 of the CDK12 gene, results from an A to T substitution at nucleotide position 488. The lysine at codon 163 is replaced by methionine, an amino acid with similar properties. This amino acid position is conserved. In addition, this alteration is predicted to be tolerated by in silico analysis. Based on the available evidence, the clinical significance of this variant remains unclear.